The following is an entry in ClinVar:

NM_003106.4(SOX2):c.244_245del (p.Leu82fs)

Genes: SOX2-OT (SOX2 overlapping transcript; plus strand), SOX2 (SRY-box transcription factor 2; plus strand), LOC108281177 (SOX2 5' regulatory region; plus strand). Cytogenetic location: 3q26.33.
Variant type: Deletion.
Coding change: c.244_245del on transcript NM_003106.4 (MANE Select); coding-DNA positions 244 to 245, 2 bases deleted (TT; older notation c.244_245delTT).
Protein change: p.Leu82fs; shifts the reading frame from leucine 82.
Molecular consequence: frameshift variant.
Genome position (GRCh38, 1-based): chr3:181,712,604-181,712,605, TT deleted; deleting any 2 consecutive bases within chr3:181,712,602-181,712,605 gives the same sequence; the c. name uses the placement nearest the transcript's 3' end. VCF-style (leftmost placement, unchanged base first): chr3-181712601-CTT-C. GRCh37 (hg19) VCF-style: chr3-181430389-CTT-C.
Other names: c.244_245del (NM_003106.3); c.244_245delTT (NM_003106.3); short protein forms L82fs.
Identifiers: ClinVar variation 467822 (VCV000467822.13), dbSNP rs1553862971, ClinGen allele CA658657352.

ClinVar aggregate classification (germline): Pathogenic. Review status: criteria provided, multiple submitters, no conflicts (2 of 4 stars). 4 submissions from 4 submitters: Pathogenic (4). Last evaluated 2025-11-04.

Conditions:
Anophthalmia/microphthalmia-esophageal atresia syndrome (MCOPS3). Also called: SOX2 Disorder; MICROPHTHALMIA AND ESOPHAGEAL ATRESIA SYNDROME; AEG SYNDROME. Identifiers: Orphanet 77298, MedGen C1859773, MONDO:0008799, OMIM 206900.

Submissions (4):

Institute of Human Genetics, University of Leipzig Medical Center
Classification: Pathogenic for Anophthalmia/microphthalmia-esophageal atresia syndrome. Last evaluated: 2025-11-04. Review status: criteria provided, single submitter. Criteria: ACMG Guidelines, 2015. Collection method: clinical testing. Allele origin: unknown. Inheritance: Autosomal dominant inheritance. Affected: yes.
Comment: Criteria applied: PVS1,PS2_MOD,PS4_MOD,PM2,PP4

Clinical Genetics Laboratory, University Hospital Schleswig-Holstein
Classification: Pathogenic for Anophthalmia/microphthalmia-esophageal atresia syndrome. Last evaluated: 2025-03-10. Review status: criteria provided, single submitter. Criteria: ACMG Guidelines, 2015. Collection method: clinical testing. Allele origin: de novo. Affected: yes. Observed: 1 heterozygote.
Comment: ACMG criteria applied: PM2, PS4_Moderate, PP1, PVS1_Strong, PS2_Supporting

Revvity Omics, Revvity
Classification: Pathogenic for Anophthalmia/microphthalmia-esophageal atresia syndrome. Last evaluated: 2023-02-17. Review status: criteria provided, single submitter. Criteria: ACMG Guidelines, 2015. Collection method: clinical testing. Allele origin: germline.

Labcorp Genetics (formerly Invitae), Labcorp
Classification: Pathogenic for Anophthalmia/microphthalmia-esophageal atresia syndrome. Last evaluated: 2017-06-26. Review status: criteria provided, single submitter. Criteria: Invitae Variant Classification Sherloc (09022015). Collection method: clinical testing. Allele origin: germline.
Comment: This sequence change results in a premature translational stop signal in the SOX2 gene (p.Leu82Valfs*13). While this is not anticipated to result in nonsense mediated decay, it is expected to delete the last 223 amino acids of the SOX2 protein. This variant is not present in population databases (ExAC no frequency). This variant has been reported to be de novo in individuals affected with severe microphthalmia (PMID: 24804704). It has also been reported in individuals affected with anophthalmia (PMID: 24498598, 25542770). For these reasons, this variant has been classified as Pathogenic.

Literature cited by the submitters: PubMed 24804704 (cited by Labcorp Genetics (formerly Invitae), Labcorp); PubMed 24498598 (cited by Labcorp Genetics (formerly Invitae), Labcorp); PubMed 25542770 (cited by Labcorp Genetics (formerly Invitae), Labcorp).